The following is an entry in ClinVar:

ClinVar aggregate classification (germline): Uncertain significance (1 of 4 stars; one submission).

Allele frequency attached by ClinVar (database versions not stated): gnomAD exomes below 0.00001.
gnomAD v4.1: 1 of 1,614,030 alleles (0.000062%); highest among the groups gnomAD compares: Admixed American, 0.0017%; no homozygotes.

Submission:

Labcorp Genetics (formerly Invitae), Labcorp
Classification: Uncertain significance. Last evaluated: 2022-08-15. Review status: criteria provided, single submitter. Criteria: Invitae Variant Classification Sherloc (09022015). Collection method: clinical testing. Allele origin: germline.
Comment: In summary, the available evidence is currently insufficient to determine the role of this variant in disease. Therefore, it has been classified as a Variant of Uncertain Significance. Algorithms developed to predict the effect of missense changes on protein structure and function are either unavailable or do not agree on the potential impact of this missense change (SIFT: "Tolerated"; PolyPhen-2: "Probably Damaging"; Align-GVGD: "Class C0"). This sequence change replaces alanine, which is neutral and non-polar, with threonine, which is neutral and polar, at codon 240 of the RTN4IP1 protein (p.Ala240Thr). This variant is not present in population databases (gnomAD no frequency). This variant has not been reported in the literature in individuals affected with RTN4IP1-related conditions. ClinVar contains an entry for this variant (Variation ID: 1354581).

NM_032730.5(RTN4IP1):c.718G>A (p.Ala240Thr)

Gene: RTN4IP1 (reticulon 4 interacting protein 1; minus strand). Cytogenetic location: 6q21.
Variant type: single nucleotide variant.
Coding change: c.718G>A on transcript NM_032730.5 (MANE Select); coding-DNA position 718, G replaced by A.
Protein change: p.Ala240Thr; replaces alanine 240 with threonine.
Molecular consequence: missense variant.
Genome position (GRCh38, 1-based): chr6:106,592,252, C>T on the plus strand (G>A on the coding strand, the complement: RTN4IP1 is on the minus strand). VCF-style: chr6-106592252-C-T. GRCh37 (hg19) VCF-style: chr6-107040127-C-T.
Other names: c.418G>A, p.Ala140Thr (NM_001318746.1); short protein forms A140T, A240T.
Identifiers: ClinVar variation 1354581 (VCV001354581.6), dbSNP rs1441171992, ClinGen allele CA365156627.